The following is an entry in ClinVar:

NM_147127.5(EVC2):c.1453_1459dup (p.Ala487fs)

Genes: EVC2 (EvC ciliary complex subunit 2; minus strand), LOC126806961 (BRD4-independent group 4 enhancer GRCh37_chr4:5641443-5642642; plus strand). Cytogenetic location: 4p16.2.
Variant type: Duplication.
Coding change: c.1453_1459dup on transcript NM_147127.5 (MANE Select); coding-DNA positions 1453 to 1459, 7 bases duplicated (AAACGTG; older notation c.1453_1459dupAAACGTG).
Protein change: p.Ala487fs; shifts the reading frame from alanine 487.
Molecular consequence: frameshift variant.
Genome position (GRCh38, 1-based): chr4:5,640,525-5,640,531, CACGTTT duplicated on the plus strand (AAACGTG on the coding strand, the reverse complement: EVC2 is on the minus strand); duplicating any 7 consecutive bases within chr4:5,640,525-5,640,533 gives the same sequence; the c. name uses the placement nearest the transcript's 3' end. VCF-style (leftmost placement, unchanged base first): chr4-5640524-G-GCACGTTT. GRCh37 (hg19) VCF-style: chr4-5642251-G-GCACGTTT.
Other names: c.1213_1219dup, p.Ala407fs (NM_001166136.2); short protein forms A407fs, A487fs.
Identifiers: ClinVar variation 2027876 (VCV002027876.4), dbSNP rs2475437040, ClinGen allele CA2580070747.
Genomic context (GRCh38, chr4:5,640,524, plus strand): 5'-AATCCCTGAGAGAAAGGGAAGTGAACGCCTTCCTTTCAGACCTGTCTTACCCTCTCACCA[G>GCACGTTT]CACGTTTCAGCAACTCTTCTGCTTCCTCCATTGCCATCATCTCTCTCTGGTACTGGTTTT-3'

ClinVar aggregate classification (germline): Pathogenic (1 of 4 stars; one submission).

Conditions:
Ellis-van Creveld syndrome (EVC). Also called: EVC-Related Ellis-van Creveld Syndrome; EVC2-Related Ellis-van Creveld Syndrome; MESOECTODERMAL DYSPLASIA; Chondroectodermal dysplasia. Identifiers: Orphanet 289, MedGen C0013903, MONDO:0009162, OMIM 225500.
Curry-Hall syndrome (WAD). Also called: WEYERS ACRODENTAL DYSOSTOSIS. Identifiers: Orphanet 952, MedGen C0457013, MONDO:0008673, OMIM 193530.

Submission:

Labcorp Genetics (formerly Invitae), Labcorp
Classification: Pathogenic for Curry-Hall syndrome; Ellis-van Creveld syndrome. Last evaluated: 2022-08-30. Review status: criteria provided, single submitter. Criteria: Invitae Variant Classification Sherloc (09022015). Collection method: clinical testing. Allele origin: germline.
Comment: For these reasons, this variant has been classified as Pathogenic. This variant has not been reported in the literature in individuals affected with EVC2-related conditions. This variant is not present in population databases (gnomAD no frequency). This sequence change creates a premature translational stop signal (p.Ala487Glufs*5) in the EVC2 gene. It is expected to result in an absent or disrupted protein product. Loss-of-function variants in EVC2 are known to be pathogenic (PMID: 17024374, 19810119, 19876929).

Literature cited by the submitters: PubMed 17024374; PubMed 19810119; PubMed 19876929.